The following is an entry in ClinVar:

ClinVar aggregate classification (germline): Pathogenic (1 of 4 stars; one submission).

Conditions:
Pheochromocytoma. Also called: MAX-Related Hereditary Paraganglioma-Pheochromocytoma Syndrome. Identifiers: Orphanet 29072, MedGen C0031511, MONDO:0008233, OMIM 171300, HP:0002666.
Cowden syndrome 3 (CWS3). Identifiers: Orphanet 201, MedGen CN166604, MONDO:0014045.
Carney-Stratakis syndrome. Also called: PARAGANGLIOMA AND GASTROINTESTINAL STROMAL TUMOR. Identifiers: Orphanet 97286, MedGen C1847319, MONDO:0011740, OMIM 606864.
Paragangliomas with sensorineural hearing loss. Identifiers: MedGen C1868633.

Submission:

Labcorp Genetics (formerly Invitae), Labcorp
Classification: Pathogenic for Carney-Stratakis syndrome; Paragangliomas with sensorineural hearing loss; Pheochromocytoma; Cowden syndrome 3. Last evaluated: 2021-09-15. Review status: criteria provided, single submitter. Criteria: Invitae Variant Classification Sherloc (09022015). Collection method: clinical testing. Allele origin: germline.
Comment: This sequence change creates a premature translational stop signal (p.Ala97Glnfs*38) in the SDHD gene. While this is not anticipated to result in nonsense mediated decay, it is expected to disrupt the last 63 amino acid(s) of the SDHD protein. For these reasons, this variant has been classified as Pathogenic. This variant disrupts a region of the SDHD protein in which other variant(s) (p.Leu139Pro) have been determined to be pathogenic (PMID: 11391798, 21348866). This suggests that this is a clinically significant region of the protein, and that variants that disrupt it are likely to be disease-causing. This variant has not been reported in the literature in individuals affected with SDHD-related conditions. This variant is not present in population databases (ExAC no frequency).

Literature cited by the submitters: PubMed 11391798; PubMed 21348866.

NM_003002.4(SDHD):c.288del (p.Ala97fs)

Gene: SDHD (succinate dehydrogenase complex subunit D; plus strand). Cytogenetic location: 11q23.1.
Variant type: Deletion.
Coding change: c.288del on transcript NM_003002.4 (MANE Select); coding-DNA position 288, one base deleted (T; older notation c.288delT).
Protein change: p.Ala97fs; shifts the reading frame from alanine 97.
Molecular consequence: frameshift variant. On other transcripts: non-coding transcript variant (1), intron variant (1).
Genome position (GRCh38, 1-based): chr11:112,088,985, T deleted. VCF-style (leftmost placement, unchanged base first): chr11-112088984-CT-C. GRCh37 (hg19) VCF-style: chr11-111959708-CT-C.
Other names: c.171del, p.Ala58fs (NM_001276504.2); c.288del, p.Ala97fs (NM_001276506.2); c.169+1012del (NM_001276503.2); short protein forms A58fs, A97fs.
Identifiers: ClinVar variation 1430410 (VCV001430410.6), dbSNP rs2135269740, ClinGen allele CA2573146862.